The following is an entry in ClinVar:

NM_001197104.2(KMT2A):c.1517C>A (p.Thr506Asn)

Gene: KMT2A (lysine methyltransferase 2A; plus strand). Cytogenetic location: 11q23.3.
Variant type: single nucleotide variant.
Coding change: c.1517C>A on transcript NM_001197104.2 (MANE Select); coding-DNA position 1517, C replaced by A.
Protein change: p.Thr506Asn; replaces threonine 506 with asparagine.
Molecular consequence: missense variant.
Genome position (GRCh38, 1-based): chr11:118,472,676, C>A. VCF-style: chr11-118472676-C-A. GRCh37 (hg19) VCF-style: chr11-118343391-C-A.
Other names: c.1517C>A, p.Thr506Asn (NM_005933.4); short protein forms T506N.
Identifiers: ClinVar variation 1305789 (VCV001305789.2), dbSNP rs936693402, ClinGen allele CA382810281.
Genomic context (GRCh38, chr11:118,472,676, plus strand): 5'-CCTCCACAGACTCTCAGGCTTCTGAGGAGATTCAGGTACTTCCTGAGGAGCGGAGCGATA[C>A]CCCTGAAGTTCATCCTCCACTGCCCATTTCCCAGTCCCCAGAAAATGAGAGTAATGATAG-3'
Protein context (NP_001184033.1, residues 496-516): IQVLPEERSD[Thr506Asn]PEVHPPLPIS

ClinVar aggregate classification (germline): Uncertain significance (1 of 4 stars; one submission).

Submission:

GeneDx
Classification: Uncertain significance. Last evaluated: 2019-05-13. Review status: criteria provided, single submitter. Criteria: GeneDx Variant Classification Process June 2021. Collection method: clinical testing. Allele origin: germline. Affected: yes.
Comment: Not observed in large population cohorts (Lek et al., 2016); In silico analysis, which includes protein predictors and evolutionary conservation, supports that this variant does not alter protein structure/function; Has not been previously published as pathogenic or benign to our knowledge